The following is an entry in ClinVar:

NM_000051.4(ATM):c.1532T>C (p.Ile511Thr)

Gene: ATM (ATM serine/threonine kinase; plus strand). Cytogenetic location: 11q22.3.
Variant type: single nucleotide variant.
Coding change: c.1532T>C on transcript NM_000051.4 (MANE Select); coding-DNA position 1532, T replaced by C.
Protein change: p.Ile511Thr; replaces isoleucine 511 with threonine.
Molecular consequence: missense variant.
Genome position (GRCh38, 1-based): chr11:108,250,997, T>C. VCF-style: chr11-108250997-T-C. GRCh37 (hg19) VCF-style: chr11-108121724-T-C.
Other names: c.1532T>C, p.Ile511Thr (NM_001351834.2); short protein forms I511T.
Identifiers: ClinVar variation 1037623 (VCV001037623.11), dbSNP rs2080115491, ClinGen allele CA382534300.

ClinVar aggregate classification (germline): Uncertain significance. Review status: criteria provided, multiple submitters, no conflicts (2 of 4 stars). 3 submissions from 3 submitters: Uncertain significance (3). Last evaluated 2025-02-14.

Conditions:
Hereditary cancer-predisposing syndrome. Also called: Neoplastic Syndromes, Hereditary; Hereditary Cancer Syndrome; Tumor predisposition; Hereditary neoplastic syndrome. Identifiers: Orphanet 140162, MedGen C0027672, MeSH D009386, MONDO:0015356.
Ataxia-telangiectasia syndrome (AT). Also called: Ataxia-telangiectasia, complementation group D; ATAXIA-TELANGIECTASIA, COMPLEMENTATION GROUP A; ATAXIA-TELANGIECTASIA, FRESNO VARIANT; Ataxia-telangiectasia; Ataxia-telangiectasia, complementation group E; LOUIS-BAR SYNDROME. Identifiers: Orphanet 100, MedGen C0004135, MONDO:0008840, OMIM 208900.

Submissions (3):

Ambry Genetics
Classification: Uncertain significance for Hereditary cancer-predisposing syndrome. Last evaluated: 2025-02-14. Review status: criteria provided, single submitter. Criteria: Ambry Variant Classification Scheme 2023. Collection method: clinical testing. Allele origin: germline.
Comment: The p.I511T variant (also known as c.1532T>C), located in coding exon 9 of the ATM gene, results from a T to C substitution at nucleotide position 1532. The isoleucine at codon 511 is replaced by threonine, an amino acid with similar properties. This amino acid position is well conserved in available vertebrate species. In addition, this alteration is predicted to be deleterious by in silico analysis. Based on the available evidence, the clinical significance of this variant remains unclear.

Labcorp Genetics (formerly Invitae), Labcorp
Classification: Uncertain significance for Ataxia-telangiectasia syndrome. Last evaluated: 2020-09-15. Review status: criteria provided, single submitter. Criteria: Invitae Variant Classification Sherloc (09022015). Collection method: clinical testing. Allele origin: germline.
Comment: This sequence change replaces isoleucine with threonine at codon 511 of the ATM protein (p.Ile511Thr). The isoleucine residue is moderately conserved and there is a moderate physicochemical difference between isoleucine and threonine. This variant is not present in population databases (ExAC no frequency). This variant has not been reported in the literature in individuals with ATM-related conditions. Advanced modeling of protein sequence and biophysical properties (such as structural, functional, and spatial information, amino acid conservation, physicochemical variation, residue mobility, and thermodynamic stability) performed at Invitae indicates that this missense variant is not expected to disrupt ATM protein function. In summary, the available evidence is currently insufficient to determine the role of this variant in disease. Therefore, it has been classified as a Variant of Uncertain Significance.

GeneDx
Classification: Uncertain significance. Last evaluated: 2020-03-11. Review status: criteria provided, single submitter. Criteria: GeneDx Variant Classification Process June 2021. Collection method: clinical testing. Allele origin: germline. Affected: yes.
Comment: Not observed in large population cohorts (Lek 2016); In silico analysis supports that this missense variant does not alter protein structure/function; Has not been previously published as pathogenic or benign to our knowledge